The following is an entry in ClinVar:

ClinVar aggregate classification (germline): Likely pathogenic (1 of 4 stars; one submission).

Conditions:
Kabuki syndrome 1 (KABUK1). Also called: KMT2D-Related Kabuki Syndrome. Identifiers: Orphanet 2322, MedGen CN030661, MONDO:0007843, OMIM 147920.

Submissions (2):

Department of Pediatric Genetics, University of Health Sciences, Ankara Bilkent City Children’s Hospital
Classification: Likely pathogenic for Kabuki syndrome 1. Last evaluated: 2024-12-01. Review status: criteria provided, single submitter. Criteria: ACMG Guidelines, 2015. Collection method: clinical testing. Allele origin: de novo. Affected: yes.
Comment: The c.8230-2A>G variant in the KMT2D gene (NM_003482.4) is a splice-site variant located in intron 33 and has not been previously reported in ClinVar. This variant is predicted to result in loss of function due to a truncated or absent protein (PVS1). The allele frequency of this variant is not reported, and it is absent from population databases such as gnomAD (PM2). PM6 was applied because the variant represents a de novo occurrence in a patient with the disease and no family history. The patient's clinical features are highly specific and strongly correlated with the gene in question, for which a single genetic etiology is well established. Therefore, PP4 was considered applicable. In silico prediction tools suggest that this variant may impact splicing (PP3). In summary, this variant meets the criteria to be classified as likely pathogenic for Kabuki syndrome 1 (#147920), based on the ACMG guidelines (Richards et al., 2015), with supporting evidence from criteria PVS1, PM6, PM2, PP3, and PP4.

Dr. Peter K. Rogan Lab, Western University
No classification provided (evidence only). Condition: Squamous cell lung carcinoma. Review status: no classification provided. Collection method: in vitro. Allele origin: not applicable. Functional consequence: skipped exon, retained intron. Not counted in ClinVar's aggregate classification.

NM_003482.4(KMT2D):c.8230-2A>G

Gene: KMT2D (lysine methyltransferase 2D; minus strand). Cytogenetic location: 12q13.12.
Variant type: single nucleotide variant.
Coding change: c.8230-2A>G on transcript NM_003482.4 (MANE Select); the canonical splice acceptor site of the intron before coding-DNA position 8230, A replaced by G.
Molecular consequence: splice acceptor variant.
Genome position (GRCh38, 1-based): chr12:49,039,360, T>C on the plus strand (A>G on the coding strand, the complement: KMT2D is on the minus strand). VCF-style: chr12-49039360-T-C. GRCh37 (hg19) VCF-style: chr12-49433143-T-C.
Other names: NC_000012.11:g.49433143T>C.
Identifiers: ClinVar variation 4073590 (VCV004073590.2).